The following is an entry in ClinVar:

ClinVar aggregate classification (germline): Likely benign. Review status: criteria provided, multiple submitters, no conflicts (2 of 4 stars). 3 submissions from 3 submitters: Likely benign (3). Last evaluated 2025-06-30.

Conditions:
Martsolf syndrome (MARTS). Also called: Congenital cataract with intellectual disability and hypogonadotropic hypogonadism syndrome. Identifiers: Orphanet 1387, MedGen C0796037, MONDO:0023910.
Warburg micro syndrome 2 (WARBM2). Also called: MICRO SYNDROME 2. Identifiers: Orphanet 2510, MedGen C3280214, MONDO:0013641, OMIM 614225.
RAB3GAP2-related disorder. Also called: RAB3GAP2-related disorders; RAB3GAP2-related condition.

Allele frequency attached by ClinVar (database versions not stated): gnomAD exomes below 0.00001; ExAC 0.00001; TOPMed 0.00001.

Submissions (3):

PreventionGenetics, part of Exact Sciences
Classification: Likely benign for RAB3GAP2-related condition. Last evaluated: 2025-06-30. Review status: criteria provided, single submitter. Criteria: ACMG Guidelines, 2015. Collection method: clinical testing. Allele origin: germline.
Comment: This variant is classified as likely benign based on ACMG/AMP sequence variant interpretation guidelines (Richards et al. 2015 PMID: 25741868, with internal and published modifications).

Labcorp Genetics (formerly Invitae), Labcorp
Classification: Likely benign for Martsolf syndrome; Warburg micro syndrome 2. Last evaluated: 2022-03-21. Review status: criteria provided, single submitter. Criteria: Invitae Variant Classification Sherloc (09022015). Collection method: clinical testing. Allele origin: germline.

Breakthrough Genomics
Classification: Likely benign. Review status: criteria provided, single submitter. Criteria: ACMG Guidelines, 2015. Collection method: not provided. Allele origin: germline. Inheritance: Autosomal recessive inheritance. Affected: yes.

NM_012414.4(RAB3GAP2):c.3180G>A (p.Thr1060=)

Gene: RAB3GAP2 (RAB3 GTPase activating non-catalytic protein subunit 2; minus strand). Cytogenetic location: 1q41.
Variant type: single nucleotide variant.
Coding change: c.3180G>A on transcript NM_012414.4 (MANE Select); coding-DNA position 3180, G replaced by A.
Protein change: p.Thr1060=; no amino-acid change (threonine 1060 retained).
Molecular consequence: synonymous variant.
Genome position (GRCh38, 1-based): chr1:220,162,243, C>T on the plus strand (G>A on the coding strand, the complement: RAB3GAP2 is on the minus strand). VCF-style: chr1-220162243-C-T. GRCh37 (hg19) VCF-style: chr1-220335585-C-T.
Identifiers: ClinVar variation 707731 (VCV000707731.10), dbSNP rs765738431, ClinGen allele CA1402209.
Genomic context (GRCh38, chr1:220,162,243, plus strand): 5'-ATGAAACTACCTTACCTTATCCATTAAGTATGTAGCAGCAGAAAATCTTTTAACTAAGAA[C>T]GTATTCCACATCATCAGTGCAATGCCTAGATAGCAAGTAAAAGTAGTAAATAGAATGCTT-3'
Protein context (NP_036546.2, residues 1050-1070): QNGIALMMWN[Thr1060=]FLVKRFSAAT